The following is an entry in ClinVar:

ClinVar aggregate classification (germline): Uncertain significance (1 of 4 stars; one submission).

Conditions:
Hereditary cancer-predisposing syndrome. Also called: Tumor predisposition; Hereditary Cancer Syndrome; Hereditary neoplastic syndrome; Neoplastic Syndromes, Hereditary. Identifiers: Orphanet 140162, MedGen C0027672, MeSH D009386, MONDO:0015356.

gnomAD v4.1: 1 of 1,611,226 alleles (0.000062%); highest among the groups gnomAD compares: Non-Finnish European, 0.000085%; no homozygotes.

Submission:

Ambry Genetics
Classification: Uncertain significance for Hereditary cancer-predisposing syndrome. Last evaluated: 2025-11-18. Review status: criteria provided, single submitter. Criteria: Ambry Variant Classification Scheme 2023. Collection method: clinical testing. Allele origin: germline.
Comment: The p.A840G variant (also known as c.2519C>G), located in coding exon 17 of the SMARCA4 gene, results from a C to G substitution at nucleotide position 2519. The alanine at codon 840 is replaced by glycine, an amino acid with similar properties. This amino acid position is conserved. In addition, the in silico prediction for this alteration is inconclusive. Based on the available evidence, the clinical significance of this variant remains unclear.

NM_003072.5(SMARCA4):c.2519C>G (p.Ala840Gly)

Gene: SMARCA4 (SWI/SNF related BAF chromatin remodeling complex subunit ATPase 4; plus strand). Cytogenetic location: 19p13.2.
Variant type: single nucleotide variant.
Coding change: c.2519C>G on transcript NM_003072.5 (MANE Select); coding-DNA position 2519, C replaced by G.
Protein change: p.Ala840Gly; replaces alanine 840 with glycine.
Molecular consequence: missense variant. On other transcripts: non-coding transcript variant (1).
Genome position (GRCh38, 1-based): chr19:11,019,604, C>G. VCF-style: chr19-11019604-C-G. GRCh37 (hg19) VCF-style: chr19-11130280-C-G.
Other names: c.2519C>G, p.Ala840Gly (NM_001128844.3, NM_001128845.2, NM_001128846.2 and 6 more transcripts); short protein forms A840G.
Identifiers: ClinVar variation 4549745 (VCV004549745.1).